The following is an entry in ClinVar:

NM_001126128.2(PROK2):c.107A>G (p.Lys36Arg)

Gene: PROK2 (prokineticin 2; minus strand). Cytogenetic location: 3p13.
Variant type: single nucleotide variant.
Coding change: c.107A>G on transcript NM_001126128.2 (MANE Select); coding-DNA position 107, A replaced by G.
Protein change: p.Lys36Arg; replaces lysine 36 with arginine.
Molecular consequence: missense variant.
Genome position (GRCh38, 1-based): chr3:71,781,582, T>C on the plus strand (A>G on the coding strand, the complement: PROK2 is on the minus strand). VCF-style: chr3-71781582-T-C. GRCh37 (hg19) VCF-style: chr3-71830733-T-C.
Other names: c.107A>G, p.Lys36Arg (NM_021935.4); short protein forms K36R.
Identifiers: ClinVar variation 4987706 (VCV004987706.1).

ClinVar aggregate classification (germline): Uncertain significance (1 of 4 stars; one submission).

Conditions:
PROK2-related disorder. Also called: PROK2-related condition.

Submission:

PreventionGenetics, part of Exact Sciences
Classification: Uncertain significance for PROK2-related condition. Last evaluated: 2025-06-18. Review status: criteria provided, single submitter. Criteria: ACMG Guidelines, 2015. Collection method: clinical testing. Allele origin: germline.
Comment: The PROK2 c.107A>G variant is predicted to result in the amino acid substitution p.Lys36Arg. To our knowledge, this variant has not been reported in the literature or in a large population database (gnomAD), indicating this variant is rare. At this time, the clinical significance of this variant is uncertain due to the absence of conclusive functional and genetic evidence.